The following is an entry in ClinVar:

NM_001367624.2(ZNF469):c.627G>C (p.Gly209=)

Gene: ZNF469 (zinc finger protein 469; plus strand). Cytogenetic location: 16q24.2.
Variant type: single nucleotide variant.
Coding change: c.627G>C on transcript NM_001367624.2 (MANE Select); coding-DNA position 627, G replaced by C.
Protein change: p.Gly209=; no amino-acid change (glycine 209 retained).
Molecular consequence: synonymous variant.
Genome position (GRCh38, 1-based): chr16:88,428,097, G>C. VCF-style: chr16-88428097-G-C. GRCh37 (hg19) VCF-style: chr16-88494505-G-C.
Other names: NM_001127464.1:c.627G>C.
Identifiers: ClinVar variation 1752589 (VCV001752589.29), dbSNP rs113227277, ClinGen allele CA8224605.
Genomic context (GRCh38, chr16:88,428,097, plus strand): 5'-CAGCTTTACCTCCACCAACTATACCTCACCAAGCGCCACCCCCAGGCCCCCAGCCCCGGG[G>C]CCCCCCCAGAGCAGGGGCACCAGCCCCCTCCAGCCCGGTTCCTATCCCGAATACCAGGCC-3'
Protein context (NP_001354553.1, residues 199-219): PSATPRPPAP[Gly209=]PPQSRGTSPL

ClinVar aggregate classification (germline): Likely benign. Review status: criteria provided, multiple submitters, no conflicts (2 of 4 stars). 3 submissions from 3 submitters: Likely benign (3). Last evaluated 2025-10-11.

Conditions:
Cardiovascular phenotype. Identifiers: MedGen CN230736.

gnomAD v4.1: 16 of 1,549,590 alleles (0.001%); highest among the groups gnomAD compares: South Asian, 0.014%; no homozygotes.

Submissions (3):

Labcorp Genetics (formerly Invitae), Labcorp
Classification: Likely benign. Last evaluated: 2025-10-11. Review status: criteria provided, single submitter. Criteria: Invitae Variant Classification Sherloc (09022015). Collection method: clinical testing. Allele origin: germline.

CeGaT Center for Human Genetics Tuebingen
Classification: Likely benign. Last evaluated: 2024-02-01. Review status: criteria provided, single submitter. Criteria: CeGaT Center For Human Genetics Tuebingen Variant Classification Criteria Version 2. Collection method: clinical testing. Allele origin: germline. Affected: yes. Observed: 1 variant allele.
Comment: ZNF469: BP4, BP7

Ambry Genetics
Classification: Likely benign for Cardiovascular phenotype. Last evaluated: 2020-10-18. Review status: criteria provided, single submitter. Criteria: Ambry Variant Classification Scheme 2023. Collection method: clinical testing. Allele origin: germline.